The following is an entry in ClinVar:

NM_001012759.3(CTU2):c.932C>T (p.Thr311Ile)

Gene: CTU2 (cytosolic thiouridylase subunit 2; plus strand). Cytogenetic location: 16q24.3.
Variant type: single nucleotide variant.
Coding change: c.932C>T on transcript NM_001012759.3 (MANE Select); coding-DNA position 932, C replaced by T.
Protein change: p.Thr311Ile; replaces threonine 311 with isoleucine.
Molecular consequence: missense variant.
Genome position (GRCh38, 1-based): chr16:88,713,705, C>T. VCF-style: chr16-88713705-C-T. GRCh37 (hg19) VCF-style: chr16-88780113-C-T.
Other names: c.671C>T, p.Thr224Ile (NM_001318513.2); c.932C>T, p.Thr311Ile (NM_001012762.3); c.1145C>T, p.Thr382Ile (NM_001318507.2); short protein forms T224I, T311I, T382I.
Identifiers: ClinVar variation 3343206 (VCV003343206.1).

ClinVar aggregate classification (germline): Uncertain significance (1 of 4 stars; one submission).

gnomAD v4.1: 2 of 1,612,658 alleles (0.00012%); highest among the groups gnomAD compares: African/African-American, 0.0027%; no homozygotes.

Submission:

GeneDx
Classification: Uncertain significance. Last evaluated: 2023-05-04. Review status: criteria provided, single submitter. Criteria: GeneDx Variant Classification Process June 2021. Collection method: clinical testing. Allele origin: germline. Affected: yes.
Comment: Not observed at significant frequency in large population cohorts (gnomAD); In silico analysis supports that this missense variant has a deleterious effect on protein structure/function; Has not been previously published as pathogenic or benign to our knowledge